The following is an entry in ClinVar:

NM_025243.4(SLC19A3):c.157A>G (p.Asn53Asp)

Gene: SLC19A3 (solute carrier family 19 member 3; minus strand). Cytogenetic location: 2q36.3.
Variant type: single nucleotide variant.
Coding change: c.157A>G on transcript NM_025243.4 (MANE Select); coding-DNA position 157, A replaced by G.
Protein change: p.Asn53Asp; replaces asparagine 53 with aspartic acid.
Molecular consequence: missense variant.
Genome position (GRCh38, 1-based): chr2:227,699,558, T>C on the plus strand (A>G on the coding strand, the complement: SLC19A3 is on the minus strand). VCF-style: chr2-227699558-T-C. GRCh37 (hg19) VCF-style: chr2-228564274-T-C.
Other names: c.157A>G, p.Asn53Asp (NM_001371411.1, NM_001371412.1); c.145A>G, p.Asn49Asp (NM_001371413.1, NM_001371414.1); short protein forms N49D, N53D.
Identifiers: ClinVar variation 3339721 (VCV003339721.3).

ClinVar aggregate classification (germline): Conflicting classifications of pathogenicity. Review status: criteria provided, conflicting classifications (1 of 4 stars). 2 submissions from 2 submitters: Likely pathogenic (1); Uncertain significance (1). Last evaluated 2024-12-07.

Conditions:
Biotin-responsive basal ganglia disease (BTBGD). Also called: Thiamine metabolism dysfunction syndrome 2 (biotin- or thiamine-responsive encephalopathy type 2); thiamine-responsive encephalopathy; THIAMINE METABOLISM DYSFUNCTION SYNDROME 2 (BIOTIN- AND THIAMINE-RESPONSIVE TYPE); Thiamine metabolism dysfunction syndrome type 2; Thiamine Transporter-2 Deficiency. Identifiers: Orphanet 199348, Orphanet 65284, MedGen C1843807, MONDO:0011841, OMIM 607483.

gnomAD v4.1: 1 of 1,614,080 alleles (0.000062%); no homozygotes.

Submissions (2):

Labcorp Genetics (formerly Invitae), Labcorp
Classification: Uncertain significance for Biotin-responsive basal ganglia disease. Last evaluated: 2024-12-07. Review status: criteria provided, single submitter. Criteria: Invitae Variant Classification Sherloc (09022015). Collection method: clinical testing. Allele origin: germline.
Comment: This sequence change replaces asparagine, which is neutral and polar, with aspartic acid, which is acidic and polar, at codon 53 of the SLC19A3 protein (p.Asn53Asp). This variant is not present in population databases (gnomAD no frequency). This missense change has been observed in individual(s) with SLC19A3-related conditions (PMID: 26657515, 28856750, 34992632). Invitae Evidence Modeling of protein sequence and biophysical properties (such as structural, functional, and spatial information, amino acid conservation, physicochemical variation, residue mobility, and thermodynamic stability) has been performed for this missense variant. However, the output from this modeling did not meet the statistical confidence thresholds required to predict the impact of this variant on SLC19A3 protein function. In summary, the available evidence is currently insufficient to determine the role of this variant in disease. Therefore, it has been classified as a Variant of Uncertain Significance.

Women's Health and Genetics/Laboratory Corporation of America, LabCorp
Classification: Likely pathogenic for Biotin-responsive basal ganglia disease. Last evaluated: 2024-06-06. Review status: criteria provided, single submitter. Criteria: LabCorp Variant Classification Summary - May 2015. Collection method: clinical testing. Allele origin: germline.
Comment: Variant summary: SLC19A3 c.157A>G (p.Asn53Asp) results in a conservative amino acid change in the encoded protein sequence. Three of five in-silico tools predict a damaging effect of the variant on protein function. The variant was absent in 249940 control chromosomes (gnomAD). c.157A>G has been reported in the literature in individuals affected with features of Basal ganglia disease, biotin-thiamine-responsive (Ortigoza-Escobar_2016, 2017, Yao_2021). These data indicate that the variant is likely to be associated with disease. To our knowledge, no experimental evidence demonstrating an impact on protein function has been reported. The following publications have been ascertained in the context of this evaluation (PMID: 28856750, 26657515, 34992632). No submitters have cited clinical-significance assessments for this variant to ClinVar. Based on the evidence outlined above, the variant was classified as likely pathogenic.

Literature cited by the submitters: PubMed 26657515 (cited by Labcorp Genetics (formerly Invitae), Labcorp and Women's Health and Genetics/Laboratory Corporation of America, LabCorp); PubMed 28856750 (cited by Labcorp Genetics (formerly Invitae), Labcorp and Women's Health and Genetics/Laboratory Corporation of America, LabCorp); PubMed 34992632 (cited by Labcorp Genetics (formerly Invitae), Labcorp and Women's Health and Genetics/Laboratory Corporation of America, LabCorp).